The following is an entry in ClinVar:

ClinVar aggregate classification (germline): Uncertain significance. Review status: criteria provided, multiple submitters, no conflicts (2 of 4 stars). 2 submissions from 2 submitters: Uncertain significance (2). Last evaluated 2024-08-10.

Conditions:
Charcot-Marie-Tooth disease type 2. Also called: Charcot-Marie-Tooth type 2. Identifiers: Orphanet 64746, MedGen C0270914, MONDO:0018993.

gnomAD v4.1: 4 of 1,587,668 alleles (0.00025%); highest among the groups gnomAD compares: East Asian, 0.0022%; no homozygotes.

Submissions (2):

Labcorp Genetics (formerly Invitae), Labcorp
Classification: Uncertain significance for Charcot-Marie-Tooth disease type 2. Last evaluated: 2024-08-10. Review status: criteria provided, single submitter. Criteria: Invitae Variant Classification Sherloc (09022015). Collection method: clinical testing. Allele origin: germline.
Comment: This sequence change replaces serine, which is neutral and polar, with asparagine, which is neutral and polar, at codon 36 of the KIF1B protein (p.Ser36Asn). This variant is present in population databases (no rsID available, gnomAD 0.006%). This variant has not been reported in the literature in individuals affected with KIF1B-related conditions. ClinVar contains an entry for this variant (Variation ID: 2145807). An algorithm developed to predict the effect of missense changes on protein structure and function (PolyPhen-2) suggests that this variant is likely to be tolerated. In summary, the available evidence is currently insufficient to determine the role of this variant in disease. Therefore, it has been classified as a Variant of Uncertain Significance.

Ambry Genetics
Classification: Uncertain significance. Last evaluated: 2023-12-27. Review status: criteria provided, single submitter. Criteria: Ambry Variant Classification Scheme 2023. Collection method: clinical testing. Allele origin: germline.
Comment: The p.S36N variant (also known as c.107G>A) is located in coding exon 2 of the KIF1B gene. The serine at codon 36 is replaced by asparagine, an amino acid with highly similar properties. This change occurs in the first base pair of coding exon 2. This amino acid position is well conserved in available vertebrate species. In addition, this alteration is predicted to be tolerated by in silico analysis. The evidence for this gene-disease relationship is limited; therefore, the clinical significance of this alteration is unclear.

NM_001365951.3(KIF1B):c.107G>A (p.Ser36Asn)

Gene: KIF1B (kinesin family member 1B; plus strand). Cytogenetic location: 1p36.22.
Variant type: single nucleotide variant.
Coding change: c.107G>A on transcript NM_001365951.3 (MANE Select); coding-DNA position 107, G replaced by A.
Protein change: p.Ser36Asn; replaces serine 36 with asparagine.
Molecular consequence: missense variant.
Genome position (GRCh38, 1-based): chr1:10,256,247, G>A. VCF-style: chr1-10256247-G-A. GRCh37 (hg19) VCF-style: chr1-10316305-G-A.
Other names: c.107G>A, p.Ser36Asn (NM_001365952.1, NM_001365953.1, NM_015074.3 and 1 more transcripts); short protein forms S36N.
Identifiers: ClinVar variation 2145807 (VCV002145807.5), dbSNP rs1324984536, ClinGen allele CA338322817.